The following is an entry in ClinVar:

ClinVar aggregate classification (germline): Pathogenic (1 of 4 stars; one submission).

Conditions:
Angelman syndrome (AS). Also called: HAPPY PUPPET SYNDROME. Identifiers: Orphanet 72, MedGen C0162635, MONDO:0007113, OMIM 105830. Disease mechanism: loss of function. Inheritance: imprinting disorder, AS is caused by disruption of maternally imprinted UBE3A located within the 15q11.2-q13 Angelman syndrome/Prader-Willi syndrome (AS/PWS) region..

Submission:

Labcorp Genetics (formerly Invitae), Labcorp
Classification: Pathogenic for Angelman syndrome. Last evaluated: 2020-10-03. Review status: criteria provided, single submitter. Criteria: Invitae Variant Classification Sherloc (09022015). Collection method: clinical testing. Allele origin: germline.
Comment: This variant results in a copy number gain of the genomic region encompassing the full coding sequence of the UBE3A gene. The boundaries of this event are unknown as they extend beyond the assayed region for this gene and therefore may encompass additional genes. As the precise location of this event is unknown, it may be in tandem or it may be located elsewhere in the genome. A whole-gene copy number gain of the UBE3A gene has been reported in three family members affected with seizures, developmental delay, anxiety and depression (PMID: 25884337, Invitae). Additionally, much larger copy number variants encompassing UBE3A and multiple adjacent genes have been reported (PMID: 23495136). ClinVar contains an entry for a similar copy number gain (Variation ID: 417431). For these reasons, this allele has been classified as Pathogenic.

Literature cited by the submitters: PubMed 25884337; PubMed 23495136.

NC_000015.9:g.(?_25584273)_(25650609_?)dup

Gene: UBE3A (ubiquitin protein ligase E3A; minus strand). Cytogenetic location: 15q11.2.
Variant type: Duplication.
Identifiers: ClinVar variation 1075074 (VCV001075074.1).